The following is an entry in ClinVar:

ClinVar aggregate classification (germline): Uncertain significance. Review status: criteria provided, multiple submitters, no conflicts (2 of 4 stars). 2 submissions from 2 submitters: Uncertain significance (2). Last evaluated 2025-09-27.

Conditions:
Hereditary cancer-predisposing syndrome. Also called: Neoplastic Syndromes, Hereditary; Hereditary neoplastic syndrome; Tumor predisposition; Hereditary Cancer Syndrome. Identifiers: Orphanet 140162, MedGen C0027672, MeSH D009386, MONDO:0015356.

Allele frequency attached by ClinVar (database versions not stated): gnomAD exomes below 0.00001 and 0.00001; TOPMed below 0.00001; ExAC 0.00002.
gnomAD v4.1: 5 of 1,613,204 alleles (0.00031%); highest among the groups gnomAD compares: Admixed American, 0.0017%; no homozygotes.

Submissions (2):

Ambry Genetics
Classification: Uncertain significance for Hereditary cancer-predisposing syndrome. Last evaluated: 2025-09-27. Review status: criteria provided, single submitter. Criteria: Ambry Variant Classification Scheme 2023. Collection method: clinical testing. Allele origin: germline.
Comment: The p.S582G variant (also known as c.1744A>G), located in coding exon 11 of the RAD50 gene, results from an A to G substitution at nucleotide position 1744. The serine at codon 582 is replaced by glycine, an amino acid with similar properties. This amino acid position is well conserved in available vertebrate species. In addition, this alteration is predicted to be tolerated by in silico analysis. Since supporting evidence is limited at this time, the clinical significance of this alteration remains unclear.

Labcorp Genetics (formerly Invitae), Labcorp
Classification: Uncertain significance for Hereditary cancer-predisposing syndrome. Last evaluated: 2024-04-22. Review status: criteria provided, single submitter. Criteria: Invitae Variant Classification Sherloc (09022015). Collection method: clinical testing. Allele origin: germline.
Comment: This sequence change replaces serine, which is neutral and polar, with glycine, which is neutral and non-polar, at codon 582 of the RAD50 protein (p.Ser582Gly). This variant is present in population databases (rs747324016, gnomAD 0.006%). This variant has not been reported in the literature in individuals affected with RAD50-related conditions. ClinVar contains an entry for this variant (Variation ID: 240216). Advanced modeling of protein sequence and biophysical properties (such as structural, functional, and spatial information, amino acid conservation, physicochemical variation, residue mobility, and thermodynamic stability) performed at Invitae indicates that this missense variant is not expected to disrupt RAD50 protein function with a negative predictive value of 80%. In summary, the available evidence is currently insufficient to determine the role of this variant in disease. Therefore, it has been classified as a Variant of Uncertain Significance.

NM_005732.4(RAD50):c.1744A>G (p.Ser582Gly)

Gene: RAD50 (RAD50 double strand break repair protein; plus strand). Cytogenetic location: 5q31.1.
Variant type: single nucleotide variant.
Coding change: c.1744A>G on transcript NM_005732.4 (MANE Select); coding-DNA position 1744, A replaced by G.
Protein change: p.Ser582Gly; replaces serine 582 with glycine.
Molecular consequence: missense variant.
Genome position (GRCh38, 1-based): chr5:132,591,985, A>G. VCF-style: chr5-132591985-A-G. GRCh37 (hg19) VCF-style: chr5-131927677-A-G.
Other names: short protein forms S582G.
Identifiers: ClinVar variation 240216 (VCV000240216.17), dbSNP rs747324016, ClinGen allele CA3405237.
Genomic context (GRCh38, chr5:132,591,985, plus strand): 5'-GAATTAACCTCACTGTTGGGATATTTTCCCAACAAAAAACAGCTTGAAGACTGGCTACAT[A>G]GTAAATCAAAAGAAATTAATCAGACCAGGGACAGACTTGCCAAATTGAAGTAAGTTGCAA-3'
Protein context (NP_005723.2, residues 572-592): NKKQLEDWLH[Ser582Gly]KSKEINQTRD